The following is an entry in ClinVar:

NM_000535.7(PMS2):c.1414A>T (p.Lys472Ter)

Gene: PMS2 (PMS1 homolog 2, mismatch repair system component; minus strand). Cytogenetic location: 7p22.1.
Variant type: single nucleotide variant.
Coding change: c.1414A>T on transcript NM_000535.7 (MANE Select); coding-DNA position 1414, A replaced by T.
Protein change: p.Lys472Ter; replaces lysine 472 with a stop codon.
Molecular consequence: nonsense. On other transcripts: non-coding transcript variant (1).
Genome position (GRCh38, 1-based): chr7:5,987,351, T>A on the plus strand (A>T on the coding strand, the complement: PMS2 is on the minus strand). VCF-style: chr7-5987351-T-A. GRCh37 (hg19) VCF-style: chr7-6026982-T-A.
Other names: c.1009A>T, p.Lys337Ter (NM_001322003.2, NM_001322004.2, NM_001322005.2 and 1 more transcripts); c.1258A>T, p.Lys420Ter (NM_001322006.2); c.1096A>T, p.Lys366Ter (NM_001322007.2, NM_001322008.2); c.853A>T, p.Lys285Ter (NM_001322010.2); c.481A>T, p.Lys161Ter (NM_001322011.2, NM_001322012.2); c.841A>T, p.Lys281Ter (NM_001322013.2); c.1414A>T, p.Lys472Ter (NM_001322014.2); c.1105A>T, p.Lys369Ter (NM_001322015.2); short protein forms K472*, K369*, K161*, K285*, K366*, K281*, K337*, K420*.
Identifiers: ClinVar variation 584473 (VCV000584473.9), dbSNP rs1562633172, ClinGen allele CA366742066.

ClinVar aggregate classification (germline): Pathogenic/Likely pathogenic. Review status: criteria provided, multiple submitters, no conflicts (2 of 4 stars). 4 submissions from 4 submitters: Pathogenic (3); Likely pathogenic (1). Last evaluated 2025-09-16.

Conditions:
Hereditary cancer-predisposing syndrome. Also called: Neoplastic Syndromes, Hereditary; Hereditary Cancer Syndrome; Tumor predisposition; Hereditary neoplastic syndrome. Identifiers: Orphanet 140162, MedGen C0027672, MeSH D009386, MONDO:0015356.
Lynch syndrome. Identifiers: Orphanet 144, MedGen C4552100, MONDO:0005835. Disease mechanism: loss of function.
Hereditary nonpolyposis colorectal neoplasms. Identifiers: MedGen C0009405, MeSH D003123.

Submissions (4):

Ambry Genetics
Classification: Pathogenic for Hereditary cancer-predisposing syndrome. Last evaluated: 2025-09-16. Review status: criteria provided, single submitter. Criteria: Ambry Variant Classification Scheme 2023. Collection method: clinical testing. Allele origin: germline.
Comment: The p.K472* pathogenic mutation (also known as c.1414A>T), located in coding exon 11 of the PMS2 gene, results from an A to T substitution at nucleotide position 1414. This changes the amino acid from a lysine to a stop codon within coding exon 11. This variant is considered to be rare based on population cohorts in the Genome Aggregation Database (gnomAD). This alteration is expected to result in loss of function by premature protein truncation or nonsense-mediated mRNA decay. As such, this alteration is interpreted as a disease-causing mutation.

Labcorp Genetics (formerly Invitae), Labcorp
Classification: Pathogenic for Hereditary nonpolyposis colorectal neoplasms. Last evaluated: 2024-11-27. Review status: criteria provided, single submitter. Criteria: Invitae Variant Classification Sherloc (09022015). Collection method: clinical testing. Allele origin: germline.
Comment: This sequence change creates a premature translational stop signal (p.Lys472*) in the PMS2 gene. It is expected to result in an absent or disrupted protein product. Loss-of-function variants in PMS2 are known to be pathogenic (PMID: 21376568, 24362816). This variant is not present in population databases (gnomAD no frequency). This premature translational stop signal has been observed in individual(s) with hereditary cancer syndromes (PMID: 31159747). ClinVar contains an entry for this variant (Variation ID: 584473). For these reasons, this variant has been classified as Pathogenic.

Department of Pathology and Laboratory Medicine, Sinai Health System
Classification: Pathogenic for Lynch syndrome. Last evaluated: 2022-04-12. Review status: criteria provided, single submitter. Criteria: ACMG Guidelines, 2015. Collection method: clinical testing. Allele origin: germline. Affected: yes.

GeneKor MSA
Classification: Likely pathogenic for Hereditary cancer-predisposing syndrome. Last evaluated: 2020-01-01. Review status: criteria provided, single submitter. Criteria: ACMG Guidelines, 2015. Collection method: clinical testing. Allele origin: germline. Affected: yes.
Comment: This variant is a single amino acid change from Lysine to a premature translational stop signal at codon 472 of the PMS2 protein. This is expected to result in a truncated, non-functional protein product. Truncating variants in the PMS2 are known to be pathogenic (PMID: 21376568, 24362816). This variant has been described in the international literature in individuals undergoing panel testing for hereditary syndrome (PMID: 31159747).

Literature cited by the submitters: PubMed 21376568 (cited by Labcorp Genetics (formerly Invitae), Labcorp); PubMed 24362816 (cited by Labcorp Genetics (formerly Invitae), Labcorp); PubMed 31159747 (cited by Labcorp Genetics (formerly Invitae), Labcorp).